The following is an entry in ClinVar:

NM_000277.3(PAH):c.969+43G>T

Gene: PAH (phenylalanine hydroxylase; minus strand). Cytogenetic location: 12q23.2.
Variant type: single nucleotide variant.
Coding change: c.969+43G>T on transcript NM_000277.3 (MANE Select); 43 bases into the intron after coding-DNA position 969, G replaced by T.
Molecular consequence: intron variant.
Genome position (GRCh38, 1-based): chr12:102,846,852, C>A on the plus strand (G>T on the coding strand, the complement: PAH is on the minus strand). VCF-style: chr12-102846852-C-A. GRCh37 (hg19) VCF-style: chr12-103240630-C-A.
Other names: NM_000277.2(PAH):c.969+43G>T; c.969+43G>T (NM_001354304.2).
Identifiers: ClinVar variation 92755 (VCV000092755.10), dbSNP rs1522306, ClinGen allele CA145984.
Genomic context (GRCh38, chr12:102,846,852, plus strand): 5'-TTCCCCAGATAACCTGGCTTCCAGGGGAGTAGGAAAGTTTCAAAGACCTGAGGGCCATAG[C>A]CTATAGCACTCCACCATCCACCCAGGGAGAGAAGGGACTTACTGTGGCGAGCTTTTCAAT-3'

ClinVar aggregate classification (germline): Benign. Review status: reviewed by expert panel (3 of 4 stars). 7 submissions from 7 submitters: Benign (1). 6 of the submissions do not count toward it. Last evaluated 2018-08-10.

Conditions:
Phenylketonuria (PKU). Also called: Phenylketonuria (PKU); FOLLING DISEASE; OLIGOPHRENIA PHENYLPYRUVICA; Phenylketonurias. Identifiers: Orphanet 716, MedGen C0031485, MONDO:0009861, OMIM 261600. Disease mechanism: loss of function.

Allele frequency attached by ClinVar (database versions not stated): 1000 Genomes Project 30x 0.27233; TOPMed 0.33991; gnomAD 0.35934 and 0.36369; gnomAD exomes 0.35148 and 0.40374; ExAC 0.35173; ESP Exome Variant Server 0.36660; 1000 Genomes Project 0.26957.
gnomAD v4.1: 609,843 of 1,529,866 alleles (40%); highest among the groups gnomAD compares: Non-Finnish European, 43%; 127,061 homozygotes.

Submissions (7):

ClinGen PAH Variant Curation Expert Panel
Classification: Benign for Phenylketonuria. Last evaluated: 2018-08-10. Review status: reviewed by expert panel. Criteria: ClinGen PAH ACMG Specifications v1. Collection method: curation. Allele origin: germline. Inheritance: Autosomal recessive inheritance.
Comment: PAH-specific ACMG/AMP criteria applied: BA1: MAF=0.49022 in ExAC; BP2: Observed in cis with R261Q. (PMID:24048906). In summary this variant meets criteria to be classified as benign for phenylketonuria in an autosomal recessive manner based on the ACMG/AMP criteria applied as specified by the PAH Expert Panel: (BA1, BP2).

Pars Genome Lab
Classification: Benign for Phenylketonuria. Last evaluated: 2021-07-01. Review status: criteria provided, single submitter. Criteria: ACMG Guidelines, 2015. Collection method: clinical testing. Allele origin: germline. Affected: no. Not counted in ClinVar's aggregate classification.

GeneDx
Classification: Benign. Last evaluated: 2015-03-03. Review status: criteria provided, single submitter. Criteria: GeneDx Variant Classification Process June 2021. Collection method: clinical testing. Allele origin: germline. Affected: yes. Not counted in ClinVar's aggregate classification.

Eurofins Ntd Llc (ga)
Classification: Benign. Last evaluated: 2013-02-22. Review status: criteria provided, single submitter. Criteria: EGL Classification Definitions 2015. Collection method: clinical testing. Allele origin: germline. Observed: 96 variant alleles, 68 heterozygotes, 28 homozygotes. Not counted in ClinVar's aggregate classification.

Breakthrough Genomics
Classification: Benign. Review status: criteria provided, single submitter. Criteria: ACMG Guidelines, 2015. Collection method: not provided. Allele origin: germline. Inheritance: Autosomal recessive inheritance. Affected: yes. Not counted in ClinVar's aggregate classification.

PreventionGenetics, part of Exact Sciences
Classification: Benign. Review status: criteria provided, single submitter. Criteria: ACMG Guidelines, 2015. Collection method: clinical testing. Allele origin: germline. Not counted in ClinVar's aggregate classification.

DeBelle Laboratory for Biochemical Genetics, MUHC/MCH RESEARCH INSTITUTE
No classification provided. Review status: no classification provided. Collection method: not provided. Allele origin: not provided. Not counted in ClinVar's aggregate classification.

Literature cited by the submitters: PubMed 24048906 (cited by ClinGen PAH Variant Curation Expert Panel).